The following is an entry in ClinVar:

NM_012330.4(KAT6B):c.2862-5del

Gene: KAT6B (lysine acetyltransferase 6B; plus strand). Cytogenetic location: 10q22.2.
Variant type: Deletion.
Coding change: c.2862-5del on transcript NM_012330.4 (MANE Select); 5 bases into the intron before coding-DNA position 2862, one base deleted (T; older notation c.2862-5delT).
Molecular consequence: intron variant.
Genome position (GRCh38, 1-based): chr10:75,021,121, T deleted; the last of 2 consecutive T bases (chr10:75,021,120-75,021,121); deleting either gives the same sequence. VCF-style (leftmost placement, unchanged base first): chr10-75021119-AT-A. GRCh37 (hg19) VCF-style: chr10-76780877-AT-A.
Other names: c.1986-5del (NM_001370139.1, NM_001370140.1, NM_001370141.1 and 2 more transcripts); c.2862-5del (NM_001370136.1, NM_001370137.1); c.2313-5del (NM_001370138.1, NM_001256468.2); c.1173-5del (NM_001370133.1); c.777-5del (NM_001370134.1); c.1797-5del (NM_001370143.1, NM_001370144.1); c.1824-5del (NM_001370132.1); c.519-5del (NM_001370135.1).
Identifiers: ClinVar variation 2581805 (VCV002581805.1), dbSNP rs1845376027, ClinGen allele CA1920301528.

ClinVar aggregate classification (germline): Uncertain significance (1 of 4 stars; one submission).

Submission:

GeneDx
Classification: Uncertain significance. Last evaluated: 2023-03-27. Review status: criteria provided, single submitter. Criteria: GeneDx Variant Classification Process June 2021. Collection method: clinical testing. Allele origin: germline. Affected: yes.
Comment: Not observed at significant frequency in large population cohorts (gnomAD); Has not been previously published as pathogenic or benign to our knowledge; In silico analysis is inconclusive as to whether the variant alters gene splicing. In the absence of RNA/functional studies, the actual effect of this sequence change is unknown.